The following is an entry in ClinVar:

ClinVar aggregate classification (germline): Conflicting classifications of pathogenicity. Review status: criteria provided, conflicting classifications (1 of 4 stars). 3 submissions from 3 submitters: Uncertain significance (2); Likely benign (1). Last evaluated 2026-07-19.

Conditions:
CEP250-related disorder. Also called: CEP250-related condition.

Allele frequency attached by ClinVar (database versions not stated): gnomAD 0.00001 and 0.00002; TOPMed 0.00002; ExAC 0.00004; gnomAD exomes 0.00006.
gnomAD v4.1: 26 of 1,613,960 alleles (0.0016%); highest among the groups gnomAD compares: Admixed American, 0.022%; no homozygotes.

Submissions (3):

PreventionGenetics, part of Exact Sciences
Classification: Likely benign for CEP250-related condition. Last evaluated: 2026-07-19. Review status: criteria provided, single submitter. Criteria: ACMG Guidelines, 2015. Collection method: clinical testing. Allele origin: germline.
Comment: This variant is classified as likely benign based on ACMG/AMP sequence variant interpretation guidelines (Richards et al. 2015 PMID: 25741868, with internal and published modifications).

Labcorp Genetics (formerly Invitae), Labcorp
Classification: Uncertain significance. Last evaluated: 2024-12-09. Review status: criteria provided, single submitter. Criteria: Invitae Variant Classification Sherloc (09022015). Collection method: clinical testing. Allele origin: germline.
Comment: This sequence change affects codon 2355 of the CEP250 mRNA. It is a 'silent' change, meaning that it does not change the encoded amino acid sequence of the CEP250 protein. This variant also falls at the last nucleotide of exon 34, which is part of the consensus splice site for this exon. This variant is present in population databases (rs764790289, gnomAD 0.03%). This variant has not been reported in the literature in individuals affected with CEP250-related conditions. ClinVar contains an entry for this variant (Variation ID: 1004198). Variants that disrupt the consensus splice site are a relatively common cause of aberrant splicing (PMID: 17576681, 9536098). Algorithms developed to predict the effect of sequence changes on RNA splicing suggest that this variant is not likely to affect RNA splicing. In summary, the available evidence is currently insufficient to determine the role of this variant in disease. Therefore, it has been classified as a Variant of Uncertain Significance.

Blueprint Genetics
Classification: Uncertain significance. Last evaluated: 2023-04-27. Review status: criteria provided, single submitter. Criteria: ACMG Guidelines, 2015. Collection method: clinical testing. Allele origin: germline.

Literature cited by the submitters: PubMed 17576681 (cited by Labcorp Genetics (formerly Invitae), Labcorp); PubMed 9536098 (cited by Labcorp Genetics (formerly Invitae), Labcorp).

NM_007186.6(CEP250):c.7065G>A (p.Glu2355=)

Gene: CEP250 (centrosomal protein 250; plus strand). Cytogenetic location: 20q11.22.
Variant type: single nucleotide variant.
Coding change: c.7065G>A on transcript NM_007186.6 (MANE Select); coding-DNA position 7065, G replaced by A.
Protein change: p.Glu2355=; no amino-acid change (glutamic acid 2355 retained).
Molecular consequence: synonymous variant.
Genome position (GRCh38, 1-based): chr20:35,510,054, G>A. VCF-style: chr20-35510054-G-A. GRCh37 (hg19) VCF-style: chr20-34097883-G-A.
Other names: c.5169G>A, p.Glu1723= (NM_001318219.1); c.7065G>A (NM_007186.5).
Identifiers: ClinVar variation 1004198 (VCV001004198.8), dbSNP rs764790289, ClinGen allele CA9834221.